The following is an entry in ClinVar:

NM_001378778.1(MPDZ):c.6046G>A (p.Val2016Ile)

Gene: MPDZ (multiple PDZ domain crumbs cell polarity complex component; minus strand). Cytogenetic location: 9p23.
Variant type: single nucleotide variant.
Coding change: c.6046G>A on transcript NM_001378778.1 (MANE Select); coding-DNA position 6046, G replaced by A.
Protein change: p.Val2016Ile; replaces valine 2016 with isoleucine.
Molecular consequence: missense variant.
Genome position (GRCh38, 1-based): chr9:13,108,956, C>T on the plus strand (G>A on the coding strand, the complement: MPDZ is on the minus strand). VCF-style: chr9-13108956-C-T. GRCh37 (hg19) VCF-style: chr9-13108955-C-T.
Other names: c.5947G>A, p.Val1983Ile (NM_001261406.2, NM_001375416.1, NM_001375417.1 and 1 more transcripts); c.5860G>A, p.Val1954Ile (NM_001261407.2, NM_001375419.1); c.6046G>A, p.Val2016Ile (NM_001330637.2); c.6145G>A, p.Val2049Ile (NM_001375413.1); c.5836G>A, p.Val1946Ile (NM_001375420.1, NM_001375421.1, NM_001375422.1 and 2 more transcripts); c.5749G>A, p.Val1917Ile (NM_001375425.1, NM_001375426.1); c.5638G>A, p.Val1880Ile (NM_001375427.1); c.5959G>A, p.Val1987Ile (NM_003829.5); short protein forms V2049I, V1917I, V1983I, V1880I, V1954I, V2016I, V1946I, V1987I.
Identifiers: ClinVar variation 1925243 (VCV001925243.3), dbSNP rs755736030, ClinGen allele CA4985987.

ClinVar aggregate classification (germline): Uncertain significance. Review status: criteria provided, multiple submitters, no conflicts (2 of 4 stars). 2 submissions from 2 submitters: Uncertain significance (2). Last evaluated 2022-11-03.

Conditions:
Inborn genetic diseases. Identifiers: MedGen C0950123, MeSH D030342.

Allele frequency attached by ClinVar (database versions not stated): gnomAD exomes below 0.00001; ExAC 0.00001.
gnomAD v4.1: 7 of 1,610,688 alleles (0.00043%); highest among the groups gnomAD compares: African/African-American, 0.0067%; no homozygotes.

Submissions (2):

Labcorp Genetics (formerly Invitae), Labcorp
Classification: Uncertain significance. Last evaluated: 2022-11-03. Review status: criteria provided, single submitter. Criteria: Invitae Variant Classification Sherloc (09022015). Collection method: clinical testing. Allele origin: germline.
Comment: This sequence change replaces valine, which is neutral and non-polar, with isoleucine, which is neutral and non-polar, at codon 1987 of the MPDZ protein (p.Val1987Ile). This variant is present in population databases (rs755736030, gnomAD 0.003%). This variant has not been reported in the literature in individuals affected with MPDZ-related conditions. Algorithms developed to predict the effect of missense changes on protein structure and function are either unavailable or do not agree on the potential impact of this missense change (SIFT: "Deleterious"; PolyPhen-2: "Probably Damaging"; Align-GVGD: "Class C0"). In summary, the available evidence is currently insufficient to determine the role of this variant in disease. Therefore, it has been classified as a Variant of Uncertain Significance.

Ambry Genetics
Classification: Uncertain significance for Inborn genetic diseases. Last evaluated: 2022-09-14. Review status: criteria provided, single submitter. Criteria: Ambry Variant Classification Scheme 2023. Collection method: clinical testing. Allele origin: germline.